The following is an entry in ClinVar:

ClinVar aggregate classification (germline): Likely pathogenic. Review status: criteria provided, single submitter (1 of 4 stars). 2 submissions from 2 submitters: Likely pathogenic (1). 1 of the submissions does not count toward it. Last evaluated 2024-03-01.

Conditions:
Spastic ataxia 2. Also called: Ataxia, spastic, 2, autosomal recessive. Identifiers: Orphanet 397946, MedGen C1969796, MONDO:0012651, OMIM 611302.

Allele frequency attached by ClinVar (database versions not stated): gnomAD exomes below 0.00001; gnomAD 0.00001.
gnomAD v4.1: 6 of 1,613,882 alleles (0.00037%); highest among the groups gnomAD compares: South Asian, 0.0011%; no homozygotes.

Submissions (2):

CeGaT Center for Human Genetics Tuebingen
Classification: Likely pathogenic. Last evaluated: 2024-03-01. Review status: criteria provided, single submitter. Criteria: CeGaT Center For Human Genetics Tuebingen Variant Classification Criteria Version 2. Collection method: clinical testing. Allele origin: germline. Affected: yes. Observed: 1 variant allele.
Comment: KIF1C: PM2, PM3, PP1:Moderate, PP3, PS3:Supporting

OMIM
Classification: Pathogenic for SPASTIC ATAXIA 2, AUTOSOMAL RECESSIVE. Last evaluated: 2014-02-01. Review status: no assertion criteria provided. Collection method: literature only. Allele origin: germline. Not counted in ClinVar's aggregate classification.

Literature cited by the submitters: PubMed 24319291 (cited by OMIM).

NM_006612.6(KIF1C):c.505C>T (p.Arg169Trp)

Gene: KIF1C (kinesin family member 1C; plus strand). Cytogenetic location: 17p13.2.
Variant type: single nucleotide variant.
Coding change: c.505C>T on transcript NM_006612.6 (MANE Select); coding-DNA position 505, C replaced by T.
Protein change: p.Arg169Trp; replaces arginine 169 with tryptophan.
Molecular consequence: missense variant.
Genome position (GRCh38, 1-based): chr17:5,002,539, C>T. VCF-style: chr17-5002539-C-T. GRCh37 (hg19) VCF-style: chr17-4905834-C-T.
Other names: short protein forms R169W.
Identifiers: ClinVar variation 101067 (VCV000101067.25), dbSNP rs587777198, ClinGen allele CA150725.